The following is an entry in ClinVar:

ClinVar aggregate classification (germline): Likely pathogenic (1 of 4 stars; one submission).

Conditions:
Lynch syndrome 4 (LYNCH4). Also called: Hereditary non-polyposis colorectal cancer, type 4; Colorectal cancer, hereditary nonpolyposis, type 4. Identifiers: Orphanet 144, MedGen C1838333, MONDO:0013699, OMIM 614337. Disease mechanism: loss of function.

Submission:

Myriad Genetics, Inc.
Classification: Likely pathogenic for Lynch syndrome 4. Last evaluated: 2023-09-21. Review status: criteria provided, single submitter. Criteria: Myriad Autosomal Dominant, Autosomal Recessive and X-Linked Classification Criteria (2023). Collection method: clinical testing. Allele origin: unknown.
Comment: This variant is considered likely pathogenic. This variant occurs within a consensus splice junction and is predicted to result in abnormal mRNA splicing of either an out-of-frame exon or an in-frame exon necessary for protein stability and/or normal function.

NM_000535.7(PMS2):c.2007-1_2009del

Gene: PMS2 (PMS1 homolog 2, mismatch repair system component; minus strand). Cytogenetic location: 7p22.1.
Variant type: Deletion.
Coding change: c.2007-1_2009del on transcript NM_000535.7 (MANE Select); the canonical splice acceptor site of the intron before coding-DNA position 2007 through coding-DNA position 2009, 4 bases deleted (GTAA; older notation c.2007-1_2009delGTAA).
Molecular consequence: splice acceptor variant. On other transcripts: intron variant (4).
Genome position (GRCh38, 1-based): chr7:5,982,989-5,982,992, TTAC deleted on the plus strand (GTAA on the coding strand, the reverse complement: PMS2 is on the minus strand); deleting any 4 consecutive bases within chr7:5,982,989-5,982,993 gives the same sequence; the c. name uses the placement nearest the transcript's 3' end. VCF-style (leftmost placement, unchanged base first): chr7-5982988-TTTAC-T. GRCh37 (hg19) VCF-style: chr7-6022619-TTTAC-T.
Other names: c.1689-1_1691del (NM_001322008.2, NM_001406883.1, NM_001322007.2 and 1 more transcripts); c.1698-1_1700del (NM_001406881.1, NM_001406879.1, NM_001322015.2 and 5 more transcripts); c.1602-1_1604del (NM_001406895.1, NM_001322004.2, NM_001406889.1 and 14 more transcripts); c.1236-1_1238del (NM_001406911.1); c.1446-1_1448del (NM_001322010.2, NM_001406906.1, NM_001406907.1); c.1533-1_1535del (NM_001406902.1, NM_001406901.1); c.1494-1_1496del (NM_001406904.1, NM_001406905.1); c.1434-1_1436del (NM_001322013.2, NM_001406909.1); and 16 more.
Identifiers: ClinVar variation 2674198 (VCV002674198.1), dbSNP rs2535555922, ClinGen allele CA2695198408.